The following is an entry in ClinVar:

ClinVar aggregate classification (germline): Likely benign (1 of 4 stars; one submission).

Allele frequency attached by ClinVar (database versions not stated): TOPMed below 0.00001; gnomAD exomes 0.00001; ExAC 0.00003.

Submission:

CeGaT Center for Human Genetics Tuebingen
Classification: Likely benign. Last evaluated: 2023-07-01. Review status: criteria provided, single submitter. Criteria: CeGaT Center For Human Genetics Tuebingen Variant Classification Criteria Version 2. Collection method: clinical testing. Allele origin: germline. Affected: yes. Observed: 1 variant allele.
Comment: SHROOM4: BP4

NM_020717.5(SHROOM4):c.1145A>G (p.Asn382Ser)

Gene: SHROOM4 (shroom family member 4; minus strand). Cytogenetic location: Xp11.22.
Variant type: single nucleotide variant.
Coding change: c.1145A>G on transcript NM_020717.5 (MANE Select); coding-DNA position 1145, A replaced by G.
Protein change: p.Asn382Ser; replaces asparagine 382 with serine.
Molecular consequence: missense variant. On other transcripts: non-coding transcript variant (4).
Genome position (GRCh38, 1-based): chrX:50,634,928, T>C on the plus strand (A>G on the coding strand, the complement: SHROOM4 is on the minus strand). VCF-style: chrX-50634928-T-C. GRCh37 (hg19) VCF-style: chrX-50377928-T-C.
Other names: short protein forms N382S.
Identifiers: ClinVar variation 2660562 (VCV002660562.24), dbSNP rs781786620, ClinGen allele CA10416282.